The following is an entry in ClinVar:

ClinVar aggregate classification (germline): Likely benign (0 of 4 stars; one submission).

Conditions:
EHBP1-related disorder. Also called: EHBP1-related condition.

Allele frequency attached by ClinVar (database versions not stated): 1000 Genomes Project 0.00100; 1000 Genomes Project 30x 0.00125; ExAC 0.00242; ESP Exome Variant Server 0.00308; TOPMed 0.00309; gnomAD 0.00336; gnomAD exomes 0.00424.
gnomAD v4.1: 6,525 of 1,577,296 alleles (0.41%); highest among the groups gnomAD compares: Non-Finnish European, 0.51%; 23 homozygotes.

Submission:

PreventionGenetics, part of Exact Sciences
Classification: Likely benign for EHBP1-related condition. Last evaluated: 2019-05-20. Review status: no assertion criteria provided. Collection method: clinical testing. Allele origin: germline.
Comment: This variant is classified as likely benign based on ACMG/AMP sequence variant interpretation guidelines (Richards et al. 2015 PMID: 25741868, with internal and published modifications).

NM_001142616.3(EHBP1):c.2734-4T>C

Gene: EHBP1 (EH domain binding protein 1; plus strand). Cytogenetic location: 2p15.
Variant type: single nucleotide variant.
Coding change: c.2734-4T>C on transcript NM_001142616.3 (MANE Select); 4 bases into the intron before coding-DNA position 2734, T replaced by C.
Molecular consequence: intron variant.
Genome position (GRCh38, 1-based): chr2:62,993,526, T>C. VCF-style: chr2-62993526-T-C. GRCh37 (hg19) VCF-style: chr2-63220661-T-C.
Other names: c.2734-4T>C (NM_001142615.3, NM_001354218.1); c.2947-4T>C (NM_001354212.1, NM_001354213.1, NM_001354214.1 and 1 more transcripts); c.2944-4T>C (NM_001354215.1, NM_001354216.2); c.2842-4T>C (NM_001142614.2); c.2731-4T>C (NM_001354220.1, NM_001354219.2); c.2101-4T>C (NM_001354221.2); c.1888-4T>C (NM_001354222.2); c.2839-4T>C (NM_001354217.1).
Identifiers: ClinVar variation 3038064 (VCV003038064.2), dbSNP rs192792364, ClinGen allele CA1681486.